The following is an entry in ClinVar:

ClinVar aggregate classification (germline): Uncertain significance. Review status: criteria provided, multiple submitters, no conflicts (2 of 4 stars). 2 submissions from 2 submitters: Uncertain significance (2). Last evaluated 2024-06-03.

Conditions:
Focal segmental glomerulosclerosis 1 (FSGS1). Identifiers: Orphanet 656, MedGen C4551527, MONDO:0011303, OMIM 603278.

Allele frequency attached by ClinVar (database versions not stated): gnomAD exomes below 0.00001; gnomAD 0.00001; TOPMed 0.00001.
gnomAD v4.1: 8 of 1,614,076 alleles (0.0005%); highest among the groups gnomAD compares: African/African-American, 0.0013%; no homozygotes.

Submissions (2):

Labcorp Genetics (formerly Invitae), Labcorp
Classification: Uncertain significance. Last evaluated: 2024-06-03. Review status: criteria provided, single submitter. Criteria: Invitae Variant Classification Sherloc (09022015). Collection method: clinical testing. Allele origin: germline.
Comment: This sequence change replaces valine, which is neutral and non-polar, with methionine, which is neutral and non-polar, at codon 698 of the ACTN4 protein (p.Val698Met). This variant is present in population databases (no rsID available, gnomAD 0.0009%). This variant has not been reported in the literature in individuals affected with ACTN4-related conditions. ClinVar contains an entry for this variant (Variation ID: 2105853). Advanced modeling of protein sequence and biophysical properties (such as structural, functional, and spatial information, amino acid conservation, physicochemical variation, residue mobility, and thermodynamic stability) performed at Invitae indicates that this missense variant is not expected to disrupt ACTN4 protein function with a negative predictive value of 80%. In summary, the available evidence is currently insufficient to determine the role of this variant in disease. Therefore, it has been classified as a Variant of Uncertain Significance.

Fulgent Genetics
Classification: Uncertain significance for Focal segmental glomerulosclerosis 1. Last evaluated: 2024-03-20. Review status: criteria provided, single submitter. Criteria: ACMG Guidelines, 2015. Collection method: clinical testing. Allele origin: germline.

NM_004924.6(ACTN4):c.2092G>A (p.Val698Met)

Gene: ACTN4 (actinin alpha 4; plus strand). Cytogenetic location: 19q13.2.
Variant type: single nucleotide variant.
Coding change: c.2092G>A on transcript NM_004924.6 (MANE Select); coding-DNA position 2092, G replaced by A.
Protein change: p.Val698Met; replaces valine 698 with methionine.
Molecular consequence: missense variant.
Genome position (GRCh38, 1-based): chr19:38,725,805, G>A. VCF-style: chr19-38725805-G-A. GRCh37 (hg19) VCF-style: chr19-39216445-G-A.
Other names: c.2092G>A, p.Val698Met (NM_001322033.2, NM_001411143.1); short protein forms V698M.
Identifiers: ClinVar variation 2105853 (VCV002105853.5), dbSNP rs1206014802, ClinGen allele CA405701485.